The following is an entry in ClinVar:

NM_024721.5(ZFHX4):c.4945A>T (p.Met1649Leu)

Gene: ZFHX4 (zinc finger homeobox 4; plus strand). Cytogenetic location: 8q21.13.
Variant type: single nucleotide variant.
Coding change: c.4945A>T on transcript NM_024721.5 (MANE Select); coding-DNA position 4945, A replaced by T.
Protein change: p.Met1649Leu; replaces methionine 1649 with leucine.
Molecular consequence: missense variant.
Genome position (GRCh38, 1-based): chr8:76,851,866, A>T. VCF-style: chr8-76851866-A-T. GRCh37 (hg19) VCF-style: chr8-77764102-A-T.
Other names: c.4867A>T, p.Met1623Leu (NM_001410934.1); short protein forms M1623L, M1649L.
Identifiers: ClinVar variation 3043520 (VCV003043520.6), dbSNP rs371012847, ClinGen allele CA4787599.

ClinVar aggregate classification (germline): Likely benign. Review status: criteria provided, single submitter (1 of 4 stars). 2 submissions from 2 submitters: Likely benign (1). 1 of the submissions does not count toward it. Last evaluated 2026-01-01.

Conditions:
ZFHX4-related disorder. Also called: ZFHX4-related condition.

Allele frequency attached by ClinVar (database versions not stated): TOPMed 0.00021; ESP Exome Variant Server 0.00025; gnomAD 0.00026; gnomAD exomes 0.00031; 1000 Genomes Project 30x 0.00047; 1000 Genomes Project 0.00060; ExAC 0.00062.

Submissions (2):

CeGaT Center for Human Genetics Tuebingen
Classification: Likely benign. Last evaluated: 2026-01-01. Review status: criteria provided, single submitter. Criteria: CeGaT Center For Human Genetics Tuebingen Variant Classification Criteria Version 2. Collection method: clinical testing. Allele origin: germline. Affected: yes. Observed: 1 variant allele.
Comment: ZFHX4: BP4, BS1

PreventionGenetics, part of Exact Sciences
Classification: Likely benign for ZFHX4-related condition. Last evaluated: 2019-06-19. Review status: no assertion criteria provided. Collection method: clinical testing. Allele origin: germline. Not counted in ClinVar's aggregate classification.
Comment: This variant is classified as likely benign based on ACMG/AMP sequence variant interpretation guidelines (Richards et al. 2015 PMID: 25741868, with internal and published modifications).